The following is an entry in ClinVar:

ClinVar aggregate classification (germline): Uncertain significance (1 of 4 stars; one submission).

Conditions:
CYP7A1-related disorder. Also called: CYP7A1-related condition.

Submission:

PreventionGenetics, part of Exact Sciences
Classification: Uncertain significance for CYP7A1-related condition. Last evaluated: 2025-05-28. Review status: criteria provided, single submitter. Criteria: ACMG Guidelines, 2015. Collection method: clinical testing. Allele origin: germline.
Comment: The CYP7A1 c.195T>G variant is predicted to result in the amino acid substitution p.His65Gln. To our knowledge, this variant has not been reported in the literature or in a large population database (gnomAD), indicating this variant is rare. At this time, the clinical significance of this variant is uncertain due to the absence of conclusive functional and genetic evidence.

NM_000780.4(CYP7A1):c.195T>G (p.His65Gln)

Gene: CYP7A1 (cytochrome P450 family 7 subfamily A member 1; minus strand). Cytogenetic location: 8q12.1.
Variant type: single nucleotide variant.
Coding change: c.195T>G on transcript NM_000780.4 (MANE Select); coding-DNA position 195, T replaced by G.
Protein change: p.His65Gln; replaces histidine 65 with glutamine.
Molecular consequence: missense variant.
Genome position (GRCh38, 1-based): chr8:58,498,355, A>C on the plus strand (T>G on the coding strand, the complement: CYP7A1 is on the minus strand). VCF-style: chr8-58498355-A-C. GRCh37 (hg19) VCF-style: chr8-59410914-A-C.
Other names: short protein forms H65Q.
Identifiers: ClinVar variation 5002158 (VCV005002158.1).
Genomic context (GRCh38, chr8:58,498,355, plus strand): 5'-GTATGACAAGGGATTTGTGATGAAATGGACATATTTTCCCATTAGTTTGCAGGTAAAAAC[A>C]TGACCATGTTTCCTTTGATTTGCTCTGAGGAACTCAAGAGGATTGGCACCAAATTGCAGA-3'
Protein context (NP_000771.2, residues 55-75): FLRANQRKHG[His65Gln]VFTCKLMGKY